The following is an entry in ClinVar:

NM_001378778.1(MPDZ):c.183+1G>A

Gene: MPDZ (multiple PDZ domain crumbs cell polarity complex component; minus strand). Cytogenetic location: 9p23.
Variant type: single nucleotide variant.
Coding change: c.183+1G>A on transcript NM_001378778.1 (MANE Select); the canonical splice donor site of the intron after coding-DNA position 183, G replaced by A.
Molecular consequence: splice donor variant.
Genome position (GRCh38, 1-based): chr9:13,247,634, C>T on the plus strand (G>A on the coding strand, the complement: MPDZ is on the minus strand). VCF-style: chr9-13247634-C-T. GRCh37 (hg19) VCF-style: chr9-13247633-C-T.
Other names: c.183+1G>A (NM_001375425.1, NM_001375420.1, NM_001375419.1 and 14 more transcripts).
Identifiers: ClinVar variation 4755251 (VCV004755251.1).
Genomic context (GRCh38, chr9:13,247,634, plus strand): 5'-CAAGCCTTTCACAAGATCTATGCCATGTCGTGAATGCCTGCTTGGGTGAATGATGTCCTA[C>T]CTGGTCTTTCAGCTGCTGTACAGAAGTCTGAAGGCTCAGAATCTGACTGAAGAGAGGGCT-3'

ClinVar aggregate classification (germline): Likely pathogenic (1 of 4 stars; one submission).

gnomAD v4.1: 2 of 1,608,946 alleles (0.00012%); highest among the groups gnomAD compares: Non-Finnish European, 0.00017%; no homozygotes.

Submission:

Labcorp Genetics (formerly Invitae), Labcorp
Classification: Likely pathogenic. Last evaluated: 2025-04-09. Review status: criteria provided, single submitter. Criteria: Invitae Variant Classification Sherloc (09022015). Collection method: clinical testing. Allele origin: germline.
Comment: This sequence change affects a donor splice site in intron 3 of the MPDZ gene. It is expected to disrupt RNA splicing. Variants that disrupt the donor or acceptor splice site typically lead to a loss of protein function (PMID: 16199547), and loss-of-function variants in MPDZ are known to be pathogenic (PMID: 23240096, 28556411). This variant is not present in population databases (gnomAD no frequency). This variant has not been reported in the literature in individuals affected with MPDZ-related conditions. Algorithms developed to predict the effect of sequence changes on RNA splicing suggest that this variant may disrupt the consensus splice site. In summary, the currently available evidence indicates that the variant is pathogenic, but additional data are needed to prove that conclusively. Therefore, this variant has been classified as Likely Pathogenic.

Literature cited by the submitters: PubMed 16199547; PubMed 23240096; PubMed 28556411.